The following is an entry in ClinVar:

NM_018474.6(KIZ):c.1383G>A (p.Pro461=)

Genes: KIZ (kizuna centrosomal protein; plus strand), KIZ-AS1 (KIZ antisense RNA 1; minus strand). Cytogenetic location: 20p11.23.
Variant type: single nucleotide variant.
Coding change: c.1383G>A on transcript NM_018474.6 (MANE Select); coding-DNA position 1383, G replaced by A.
Protein change: p.Pro461=; no amino-acid change (proline 461 retained).
Molecular consequence: synonymous variant.
Genome position (GRCh38, 1-based): chr20:21,205,521, G>A. VCF-style: chr20-21205521-G-A. GRCh37 (hg19) VCF-style: chr20-21186160-G-A.
Other names: c.1383G>A (NM_018474.5); c.1074G>A, p.Pro358= (NM_001163022.3, NM_001352435.2); c.984G>A, p.Pro328= (NM_001163023.3); c.1236G>A, p.Pro412= (NM_001276389.2); c.1383G>A, p.Pro461= (NM_001352434.2); c.1041G>A, p.Pro347= (NM_001352436.2).
Identifiers: ClinVar variation 1166730 (VCV001166730.12), dbSNP rs533329332, ClinGen allele CA9784851.
Genomic context (GRCh38, chr20:21,205,521, plus strand): 5'-TATAGTGAGTGTCCTGTTTCTGTTTTATAGACCTGGACAAACACCAGACTCAGACGTACC[G>A]AGGGCACAGGTGGGTCAGCATGTTGCCACCTTGAAAGAACATGATAATTCTGTCAAAGAA-3'
Protein context (NP_060944.3, residues 451-471): EPGQTPDSDV[Pro461=]RAQVGQHVAT

ClinVar aggregate classification (germline): Benign/Likely benign. Review status: criteria provided, multiple submitters, no conflicts (2 of 4 stars). 3 submissions from 3 submitters: Benign (1); Likely benign (1). 1 of the submissions does not count toward it. Last evaluated 2025-11-28.

Conditions:
KIZ-related disorder. Also called: KIZ-related condition.

Allele frequency attached by ClinVar (database versions not stated): 1000 Genomes Project 30x 0.00016; 1000 Genomes Project 0.00020; gnomAD 0.00036 and 0.00037; TOPMed 0.00045; gnomAD exomes 0.00064 and 0.14079; ExAC 0.33333.
gnomAD v4.1: 944 of 1,558,316 alleles (0.061%); highest among the groups gnomAD compares: Non-Finnish European, 0.08%; 1 homozygote.

Submissions (3):

Labcorp Genetics (formerly Invitae), Labcorp
Classification: Benign. Last evaluated: 2025-11-28. Review status: criteria provided, single submitter. Criteria: Invitae Variant Classification Sherloc (09022015). Collection method: clinical testing. Allele origin: germline.

Blueprint Genetics
Classification: Likely benign. Last evaluated: 2024-11-19. Review status: criteria provided, single submitter. Criteria: ACMG Guidelines, 2015. Collection method: clinical testing. Allele origin: germline.

PreventionGenetics, part of Exact Sciences
Classification: Benign for KIZ-related condition. Last evaluated: 2019-09-19. Review status: no assertion criteria provided. Collection method: clinical testing. Allele origin: germline. Not counted in ClinVar's aggregate classification.
Comment: This variant is classified as benign based on ACMG/AMP sequence variant interpretation guidelines (Richards et al. 2015 PMID: 25741868, with internal and published modifications).